The following is an entry in ClinVar:

NM_015272.5(RPGRIP1L):c.2992A>G (p.Ile998Val)

Gene: RPGRIP1L (RPGRIP1 like; minus strand). Cytogenetic location: 16q12.2.
Variant type: single nucleotide variant.
Coding change: c.2992A>G on transcript NM_015272.5 (MANE Select); coding-DNA position 2992, A replaced by G.
Protein change: p.Ile998Val; replaces isoleucine 998 with valine.
Molecular consequence: missense variant. On other transcripts: intron variant (2).
Genome position (GRCh38, 1-based): chr16:53,638,378, T>C on the plus strand (A>G on the coding strand, the complement: RPGRIP1L is on the minus strand). VCF-style: chr16-53638378-T-C. GRCh37 (hg19) VCF-style: chr16-53672290-T-C.
Other names: c.2992A>G, p.Ile998Val (NM_001308334.3); c.2959-524A>G (NM_001127897.4, NM_001330538.2); c.2992A>G (NM_015272.4); short protein forms I998V.
Identifiers: ClinVar variation 2048053 (VCV002048053.4), dbSNP rs776313021, ClinGen allele CA8057390.

ClinVar aggregate classification (germline): Uncertain significance. Review status: criteria provided, multiple submitters, no conflicts (2 of 4 stars). 2 submissions from 2 submitters: Uncertain significance (2). Last evaluated 2025-12-08.

Conditions:
RPGRIP1L-related disorder. Also called: RPGRIP1L-related disorders; RPGRIP1L-related condition. Identifiers: MedGen CN239416.
Joubert syndrome. Also called: Familial aplasia of the vermis; JOUBERT-BOLTSHAUSER SYNDROME. Identifiers: Orphanet 475, MedGen C5979921, MONDO:0018772.
Meckel-Gruber syndrome. Also called: Dysencephalia splachnocystica; DYSENCEPHALIA SPLANCHNOCYSTICA; GRUBER SYNDROME. Identifiers: Orphanet 564, MedGen C0265215, MONDO:0018921.

Allele frequency attached by ClinVar (database versions not stated): gnomAD exomes below 0.00001; TOPMed below 0.00001; ExAC 0.00001.
gnomAD v4.1: 6 of 1,594,862 alleles (0.00038%); highest among the groups gnomAD compares: Admixed American, 0.005%; no homozygotes.

Submissions (2):

Labcorp Genetics (formerly Invitae), Labcorp
Classification: Uncertain significance for Joubert syndrome; Meckel-Gruber syndrome. Last evaluated: 2025-12-08. Review status: criteria provided, single submitter. Criteria: Invitae Variant Classification Sherloc (09022015). Collection method: clinical testing. Allele origin: germline.
Comment: This sequence change replaces isoleucine, which is neutral and non-polar, with valine, which is neutral and non-polar, at codon 998 of the RPGRIP1L protein (p.Ile998Val). This variant is present in population databases (rs776313021, gnomAD 0.009%). This variant has not been reported in the literature in individuals affected with RPGRIP1L-related conditions. ClinVar contains an entry for this variant (Variation ID: 2048053). An algorithm developed to predict the effect of missense changes on protein structure and function outputs the following: PolyPhen-2: "Benign". The valine amino acid residue is found in multiple mammalian species, which suggests that this missense change does not adversely affect protein function. In summary, the available evidence is currently insufficient to determine the role of this variant in disease. Therefore, it has been classified as a Variant of Uncertain Significance.

PreventionGenetics, part of Exact Sciences
Classification: Uncertain significance for RPGRIP1L-related condition. Last evaluated: 2025-05-02. Review status: criteria provided, single submitter. Criteria: ACMG Guidelines, 2015. Collection method: clinical testing. Allele origin: germline.
Comment: The RPGRIP1L c.2992A>G variant is predicted to result in the amino acid substitution p.Ile998Val. To our knowledge, this variant has not been reported in the literature. This variant is reported in 0.0087% of alleles in individuals of Latino descent in gnomAD. At this time, the clinical significance of this variant is uncertain due to the absence of conclusive functional and genetic evidence.